The following is an entry in ClinVar:

NM_014112.5(TRPS1):c.2894G>A (p.Arg965His)

Gene: TRPS1 (transcriptional repressor GATA binding 1; minus strand). Cytogenetic location: 8q23.3.
Variant type: single nucleotide variant.
Coding change: c.2894G>A on transcript NM_014112.5 (MANE Select); coding-DNA position 2894, G replaced by A.
Protein change: p.Arg965His; replaces arginine 965 with histidine.
Molecular consequence: missense variant.
Genome position (GRCh38, 1-based): chr8:115,415,014, C>T on the plus strand (G>A on the coding strand, the complement: TRPS1 is on the minus strand). VCF-style: chr8-115415014-C-T. GRCh37 (hg19) VCF-style: chr8-116427242-C-T.
Other names: c.2867G>A, p.Arg956His (NM_001282902.3); c.2873G>A, p.Arg958His (NM_001282903.3); c.2855G>A, p.Arg952His (NM_001330599.2); short protein forms R952H, R965H, R956H, R958H.
Identifiers: ClinVar variation 5580 (VCV000005580.17), dbSNP rs28939070, ClinGen allele CA117620.

ClinVar aggregate classification (germline): Pathogenic/Likely pathogenic. Review status: criteria provided, multiple submitters, no conflicts (2 of 4 stars). 4 submissions from 4 submitters: Pathogenic (1); Likely pathogenic (1). 2 of the submissions do not count toward it. Last evaluated 2023-06-03.

Conditions:
Trichorhinophalangeal dysplasia type I (TRPS1). Also called: TRPS I; TRICHORHINOPHALANGEAL SYNDROME, TYPE I. Identifiers: Orphanet 77258, MedGen C0432233, MONDO:0008596, OMIM 190350.
Trichorhinophalangeal syndrome, type III (TRPS3). Also called: SUGIO-KAJII SYNDROME. Identifiers: Orphanet 77258, MedGen C1860823, OMIM 190351, MONDO:0008597.

Submissions (4):

Labcorp Genetics (formerly Invitae), Labcorp
Classification: Pathogenic for Trichorhinophalangeal syndrome, type III; Trichorhinophalangeal dysplasia type I. Last evaluated: 2023-06-03. Review status: criteria provided, single submitter. Criteria: Invitae Variant Classification Sherloc (09022015). Collection method: clinical testing. Allele origin: germline.
Comment: For these reasons, this variant has been classified as Pathogenic. Experimental studies have shown that this missense change affects TRPS1 function (PMID: 14560312). Advanced modeling of protein sequence and biophysical properties (such as structural, functional, and spatial information, amino acid conservation, physicochemical variation, residue mobility, and thermodynamic stability) performed at Invitae indicates that this missense variant is expected to disrupt TRPS1 protein function. ClinVar contains an entry for this variant (Variation ID: 5580). This missense change has been observed in individuals with trichorhinophalangeal syndrome (PMID: 14560312; Invitae). It has also been observed to segregate with disease in related individuals. This variant is not present in population databases (gnomAD no frequency). This sequence change replaces arginine, which is basic and polar, with histidine, which is basic and polar, at codon 965 of the TRPS1 protein (p.Arg965His).

GeneDx
Classification: Likely pathogenic. Last evaluated: 2022-09-01. Review status: criteria provided, single submitter. Criteria: GeneDx Variant Classification Process June 2021. Collection method: clinical testing. Allele origin: germline. Affected: yes.
Comment: In vitro assays demonstrated primarily cytoplasmic localization and loss of nuclear localization (Elli et al., 2022; Kaiser et al., 2004); Not observed in large population cohorts (gnomAD); Also known as p.(R952H); This variant is associated with the following publications: (PMID: 34897794, 14560312, 25792522)

OMIM
Classification: Pathogenic for TRICHORHINOPHALANGEAL SYNDROME, TYPE I. Last evaluated: 2004-02-01. Review status: no assertion criteria provided. Collection method: literature only. Allele origin: germline. Not counted in ClinVar's aggregate classification.

GeneReviews
No classification provided. Condition: Trichorhinophalangeal dysplasia type I. Review status: no classification provided. Collection method: literature only. Allele origin: germline. Not counted in ClinVar's aggregate classification.

Literature cited by the submitters: PubMed 14560312 (cited by Labcorp Genetics (formerly Invitae), Labcorp and OMIM); PubMed 25792522 (cited by GeneReviews); NCBI Bookshelf NBK425926 (cited by GeneReviews).